The following is an entry in ClinVar:

NM_000156.6(GAMT):c.187C>T (p.Arg63Trp)

Gene: GAMT (guanidinoacetate N-methyltransferase; minus strand). Cytogenetic location: 19p13.3.
Variant type: single nucleotide variant.
Coding change: c.187C>T on transcript NM_000156.6 (MANE Select); coding-DNA position 187, C replaced by T.
Protein change: p.Arg63Trp; replaces arginine 63 with tryptophan.
Molecular consequence: missense variant.
Genome position (GRCh38, 1-based): chr19:1,399,933, G>A on the plus strand (C>T on the coding strand, the complement: GAMT is on the minus strand). VCF-style: chr19-1399933-G-A. GRCh37 (hg19) VCF-style: chr19-1399932-G-A.
Other names: c.187C>T, p.Arg63Trp (NM_138924.3); c.187C>T (NM_000156.5); short protein forms R63W.
Identifiers: ClinVar variation 999486 (VCV000999486.4), dbSNP rs777102623, ClinGen allele CA9043770.

ClinVar aggregate classification (germline): Uncertain significance. Review status: criteria provided, multiple submitters, no conflicts (2 of 4 stars). 3 submissions from 3 submitters: Uncertain significance (2). 1 of the submissions does not count toward it. Last evaluated 2024-01-16.

Conditions:
Deficiency of guanidinoacetate methyltransferase (CCDS2). Also called: GAMT DEFICIENCY; CEREBRAL CREATINE DEFICIENCY SYNDROME 2; Guanidinoacetate Methyltransferase (GAMT) Deficiency. Identifiers: Orphanet 382, MedGen C0574080, MONDO:0012999, OMIM 612736.
Inborn genetic diseases. Identifiers: MedGen C0950123, MeSH D030342.
Cerebral creatine deficiency syndrome. Also called: Creatine deficiency syndromes. Identifiers: Orphanet 79172, MedGen C5244016, MONDO:0000456.

Allele frequency attached by ClinVar (database versions not stated): TOPMed 0.00004; gnomAD 0.00002.

Submissions (3):

Ambry Genetics
Classification: Uncertain significance for Inborn genetic diseases. Last evaluated: 2024-01-16. Review status: criteria provided, single submitter. Criteria: Ambry Variant Classification Scheme 2023. Collection method: clinical testing. Allele origin: germline.

Labcorp Genetics (formerly Invitae), Labcorp
Classification: Uncertain significance for Cerebral creatine deficiency syndrome. Last evaluated: 2021-09-01. Review status: criteria provided, single submitter. Criteria: Invitae Variant Classification Sherloc (09022015). Collection method: clinical testing. Allele origin: germline.
Comment: This sequence change replaces arginine with tryptophan at codon 63 of the GAMT protein (p.Arg63Trp). The arginine residue is highly conserved and there is a moderate physicochemical difference between arginine and tryptophan. This variant is present in population databases (rs777102623, ExAC 0.03%). This variant has not been reported in the literature in individuals affected with GAMT-related conditions. Algorithms developed to predict the effect of missense changes on protein structure and function are either unavailable or do not agree on the potential impact of this missense change (SIFT: "Deleterious"; PolyPhen-2: "Possibly Damaging"; Align-GVGD: "Class C0"). In summary, the available evidence is currently insufficient to determine the role of this variant in disease. Therefore, it has been classified as a Variant of Uncertain Significance.

Natera, Inc.
Classification: Uncertain significance for Guanidinoacetate methyltransferase deficiency. Last evaluated: 2020-06-08. Review status: no assertion criteria provided. Collection method: clinical testing. Allele origin: germline. Not counted in ClinVar's aggregate classification.